The following is an entry in ClinVar:

ClinVar aggregate classification (germline): Uncertain significance (1 of 4 stars; one submission).

Conditions:
SYNE1-related disorder. Also called: SYNE1-related disease; SYNE1-related condition; SYNE1-related disorders.

Submission:

PreventionGenetics, part of Exact Sciences
Classification: Uncertain significance for SYNE1-related condition. Last evaluated: 2026-03-17. Review status: criteria provided, single submitter. Criteria: ACMG Guidelines, 2015. Collection method: clinical testing. Allele origin: germline.
Comment: The SYNE1 c.6347T>C variant is predicted to result in the amino acid substitution p.Ile2116Thr. To our knowledge, this variant has not been reported in the literature or in a large population database (gnomAD), indicating this variant is rare. At this time, the clinical significance of this variant is uncertain due to the absence of conclusive functional and genetic evidence.

NM_182961.4(SYNE1):c.6326T>C (p.Ile2109Thr)

Gene: SYNE1 (spectrin repeat containing nuclear envelope protein 1; minus strand). Cytogenetic location: 6q25.2.
Variant type: single nucleotide variant.
Coding change: c.6326T>C on transcript NM_182961.4 (MANE Select); coding-DNA position 6326, T replaced by C.
Protein change: p.Ile2109Thr; replaces isoleucine 2109 with threonine.
Molecular consequence: missense variant.
Genome position (GRCh38, 1-based): chr6:152,409,614, A>G on the plus strand (T>C on the coding strand, the complement: SYNE1 is on the minus strand). VCF-style: chr6-152409614-A-G. GRCh37 (hg19) VCF-style: chr6-152730749-A-G.
Other names: c.6347T>C, p.Ile2116Thr (NM_033071.5); short protein forms I2109T, I2116T.
Identifiers: ClinVar variation 4990923 (VCV004990923.1).